The following is an entry in ClinVar:

NC_000020.10:g.(?_44639387)_(44641168_?)del

Gene: MMP9 (matrix metallopeptidase 9; plus strand). Cytogenetic location: 20q13.12.
Variant type: Deletion.
Identifiers: ClinVar variation 2425273 (VCV002425273.4).

ClinVar aggregate classification (germline): Uncertain significance (1 of 4 stars; one submission).

Submission:

Labcorp Genetics (formerly Invitae), Labcorp
Classification: Uncertain significance. Last evaluated: 2022-10-20. Review status: criteria provided, single submitter. Criteria: Invitae Variant Classification Sherloc (09022015). Collection method: clinical testing. Allele origin: germline.
Comment: In summary, the available evidence is currently insufficient to determine the role of this variant in disease. Therefore, it has been classified as a Variant of Uncertain Significance. This variant has not been reported in the literature in individuals affected with MMP9-related conditions. This variant results in the deletion of exons 4-7 and part of exon 8 (c.520+117_1277del) of the MMP9 gene. It is expected to disrupt RNA splicing. Variants that disrupt the donor or acceptor splice site typically lead to a loss of protein function (PMID: 16199547), however the current clinical and genetic evidence is not sufficient to establish whether loss-of-function variants in MMP9 cause disease.

Literature cited by the submitters: PubMed 16199547.